The following is an entry in ClinVar:

ClinVar aggregate classification (germline): Uncertain significance (1 of 4 stars; one submission).

Allele frequency attached by ClinVar (database versions not stated): TOPMed below 0.00001.

Submission:

GeneDx
Classification: Uncertain significance. Last evaluated: 2019-10-08. Review status: criteria provided, single submitter. Criteria: GeneDx Variant Classification Process June 2021. Collection method: clinical testing. Allele origin: germline. Affected: yes.
Comment: Not observed in large population cohorts (Lek et al., 2016); In silico analysis, which includes protein predictors and evolutionary conservation, supports that this variant does not alter protein structure/function; Has not been previously published as pathogenic or benign to our knowledge

NM_001377229.1(DISP1):c.463G>A (p.Asp155Asn)

Gene: DISP1 (dispatched RND transporter family member 1; plus strand). Cytogenetic location: 1q41.
Variant type: single nucleotide variant.
Coding change: c.463G>A on transcript NM_001377229.1 (MANE Select); coding-DNA position 463, G replaced by A.
Protein change: p.Asp155Asn; replaces aspartic acid 155 with asparagine.
Molecular consequence: missense variant. On other transcripts: 5 prime UTR variant (1).
Genome position (GRCh38, 1-based): chr1:222,943,286, G>A. VCF-style: chr1-222943286-G-A. GRCh37 (hg19) VCF-style: chr1-223116628-G-A.
Other names: c.-425G>A (NM_001350630.2); c.463G>A, p.Asp155Asn (NM_001369594.1, NM_001377228.1, NM_032890.5); short protein forms D155N.
Identifiers: ClinVar variation 1309072 (VCV001309072.2), dbSNP rs908032421, ClinGen allele CA38983321.